The following is an entry in ClinVar:

NM_014795.4(ZEB2):c.2205_2206delinsCG (p.Met736Val)

Gene: ZEB2 (zinc finger E-box binding homeobox 2; minus strand). Cytogenetic location: 2q22.3.
Variant type: Indel.
Coding change: c.2205_2206delinsCG on transcript NM_014795.4 (MANE Select); coding-DNA positions 2205 to 2206, TA replaced by CG.
Protein change: p.Met736Val; replaces methionine 736 with valine.
Molecular consequence: missense variant.
Genome position (GRCh38, 1-based): chr2:144,398,981-144,398,982, TA replaced by CG on the plus strand (TA replaced by CG on the coding strand, the reverse complement: ZEB2 is on the minus strand). VCF-style: chr2-144398981-TA-CG. GRCh37 (hg19) VCF-style: chr2-145156548-TA-CG.
Other names: c.2133_2134delinsCG, p.Met712Val (NM_001171653.2); c.2205_2206delinsCG (NM_014795.3); short protein forms M712V, M736V.
Identifiers: ClinVar variation 405332 (VCV000405332.16), dbSNP rs1060500654, ClinGen allele CA16610249.

ClinVar aggregate classification (germline): Likely benign. Review status: criteria provided, multiple submitters, no conflicts (2 of 4 stars). 3 submissions from 3 submitters: Likely benign (3). Last evaluated 2026-01-31.

Conditions:
Inborn genetic diseases. Identifiers: MedGen C0950123, MeSH D030342.
Mowat-Wilson syndrome (MOWS). Also called: Classic Mowat-Wilson Syndrome. Identifiers: Orphanet 2152, MedGen C1856113, MONDO:0009341, OMIM 235730.

Submissions (3):

Labcorp Genetics (formerly Invitae), Labcorp
Classification: Likely benign for Mowat-Wilson syndrome. Last evaluated: 2026-01-31. Review status: criteria provided, single submitter. Criteria: Invitae Variant Classification Sherloc (09022015). Collection method: clinical testing. Allele origin: germline.

GeneDx
Classification: Likely benign. Last evaluated: 2017-06-22. Review status: criteria provided, single submitter. Criteria: GeneDx Variant Classification (06012015). Collection method: clinical testing. Allele origin: germline. Affected: yes.
Comment: This variant is considered likely benign or benign based on one or more of the following criteria: it is a conservative change, it occurs at a poorly conserved position in the protein, it is predicted to be benign by multiple in silico algorithms, and/or has population frequency not consistent with disease.

Ambry Genetics
Classification: Likely benign for Inborn genetic diseases. Last evaluated: 2017-04-05. Review status: criteria provided, single submitter. Criteria: Ambry Variant Classification Scheme 2023. Collection method: clinical testing. Allele origin: germline.